The following is an entry in ClinVar:

NM_000053.4(ATP7B):c.579G>C (p.Gln193His)

Gene: ATP7B (ATPase copper transporting beta; minus strand). Cytogenetic location: 13q14.3.
Variant type: single nucleotide variant.
Coding change: c.579G>C on transcript NM_000053.4 (MANE Select); coding-DNA position 579, G replaced by C.
Protein change: p.Gln193His; replaces glutamine 193 with histidine.
Molecular consequence: missense variant.
Genome position (GRCh38, 1-based): chr13:51,974,641, C>G on the plus strand (G>C on the coding strand, the complement: ATP7B is on the minus strand). VCF-style: chr13-51974641-C-G. GRCh37 (hg19) VCF-style: chr13-52548777-C-G.
Other names: c.579G>C, p.Gln193His (NM_001005918.3, NM_001243182.2, NM_001330578.2 and 30 more transcripts); c.483G>C, p.Gln161His (NM_001406530.1, NM_001406536.1, NM_001406539.1 and 4 more transcripts); short protein forms Q161H, Q193H.
Identifiers: ClinVar variation 2076316 (VCV002076316.3), dbSNP rs749716615, ClinGen allele CA388042580.

ClinVar aggregate classification (germline): Uncertain significance. Review status: criteria provided, multiple submitters, no conflicts (2 of 4 stars). 3 submissions from 3 submitters: Uncertain significance (3). Last evaluated 2025-08-10.

Conditions:
Wilson disease (WND). Also called: Wilson's disease. Identifiers: Orphanet 905, MedGen C0019202, MONDO:0010200, OMIM 277900. Disease mechanism: loss of function.

gnomAD v4.1: 1 of 1,612,198 alleles (0.000062%); highest among the groups gnomAD compares: Admixed American, 0.0017%; no homozygotes.

Submissions (3):

Color Diagnostics, LLC DBA Color Health
Classification: Uncertain significance for Wilson disease. Last evaluated: 2025-08-10. Review status: criteria provided, single submitter. Criteria: ACMG Guidelines, 2015. Collection method: clinical testing. Allele origin: germline.
Comment: This missense variant replaces glutamine with histidine at codon 193 of the ATP7B protein. Computational prediction suggests that this variant may not impact protein structure and function. To our knowledge, functional studies have not been reported for this variant. This variant has not been reported in individuals affected with ATP7B-related disorders in the literature. This variant has been identified in 1/248870 chromosomes in the general population by the Genome Aggregation Database (gnomAD). The available evidence is insufficient to determine the role of this variant in disease conclusively. Therefore, this variant is classified as a Variant of Uncertain Significance.

Women's Health and Genetics/Laboratory Corporation of America, LabCorp
Classification: Uncertain significance. Last evaluated: 2024-10-16. Review status: criteria provided, single submitter. Criteria: LabCorp Variant Classification Summary - May 2015. Collection method: clinical testing. Allele origin: germline.
Comment: Variant summary: ATP7B c.579G>C (p.Gln193His) results in a non-conservative amino acid change located in the Heavy metal-associated domain, HMA domain (IPR006121) of the encoded protein sequence. Three of five in-silico tools predict a benign effect of the variant on protein function. The variant allele was found at a frequency of 4e-06 in 248870 control chromosomes. The available data on variant occurrences in the general population are insufficient to allow any conclusion about variant significance. To our knowledge, no occurrence of c.579G>C in individuals affected with Wilson Disease and no experimental evidence demonstrating its impact on protein function have been reported. ClinVar contains an entry for this variant (Variation ID: 2076316). Based on the evidence outlined above, the variant was classified as uncertain significance.

Labcorp Genetics (formerly Invitae), Labcorp
Classification: Uncertain significance for Wilson disease. Last evaluated: 2022-06-22. Review status: criteria provided, single submitter. Criteria: Invitae Variant Classification Sherloc (09022015). Collection method: clinical testing. Allele origin: germline.
Comment: This sequence change replaces glutamine, which is neutral and polar, with histidine, which is basic and polar, at codon 193 of the ATP7B protein (p.Gln193His). This variant is present in population databases (no rsID available, gnomAD 0.003%). This variant has not been reported in the literature in individuals affected with ATP7B-related conditions. Advanced modeling of protein sequence and biophysical properties (such as structural, functional, and spatial information, amino acid conservation, physicochemical variation, residue mobility, and thermodynamic stability) performed at Invitae indicates that this missense variant is not expected to disrupt ATP7B protein function. In summary, the available evidence is currently insufficient to determine the role of this variant in disease. Therefore, it has been classified as a Variant of Uncertain Significance.